The following is an entry in ClinVar:

Conditions:
Breast-ovarian cancer, familial, susceptibility to, 1 (BROVCA1). Also called: BRCA1 Hereditary Breast and Ovarian Cancer; OVARIAN CANCER, SUSCEPTIBILITY TO. Identifiers: Orphanet 145, MedGen C2676676, MONDO:0011450, OMIM 604370. Disease mechanism: loss of function.

Submission:

Brotman Baty Institute, University of Washington
No classification provided (evidence only). Condition: Breast-ovarian cancer, familial 1. Review status: no classification provided. Collection method: in vitro. Allele origin: not applicable. Functional consequence: functionally_abnormal.
ClinVar note: "not provided" was previously submitted as the classification for the variant. However, the classification appeared to be based only on an observation of functional data so it was converted to no classification on 2025-07-30.

NM_007294.4(BRCA1):c.5468-1G>C

Gene: BRCA1 (BRCA1 DNA repair associated; minus strand). Cytogenetic location: 17q21.31.
Variant type: single nucleotide variant.
Coding change: c.5468-1G>C on transcript NM_007294.4 (MANE Select); the canonical splice acceptor site of the intron before coding-DNA position 5468, G replaced by C.
Molecular consequence: splice acceptor variant.
Genome position (GRCh38, 1-based): chr17:43,045,803, C>G on the plus strand (G>C on the coding strand, the complement: BRCA1 is on the minus strand). VCF-style: chr17-43045803-C-G. GRCh37 (hg19) VCF-style: chr17-41197820-C-G.
Other names: c.1943-1G>C (NM_001408493.1, NM_001408492.1); c.1946-1G>C (NM_001408490.1, NM_001408489.1, NM_001408482.1 and 5 more transcripts); c.5252-1G>C (NM_001407915.1, NM_001407916.1, NM_001407917.1 and 1 more transcripts); c.5255-1G>C (NM_001407895.1, NM_001407910.1, NM_001407904.1 and 12 more transcripts); c.5321-1G>C (NM_001407853.1, NM_001407843.1, NM_001407847.1 and 12 more transcripts); c.1892-1G>C (NM_001408502.1, NM_001408504.1, NM_001408503.1); c.5132-1G>C (NM_001407951.1, NM_001407954.1, NM_001407952.1 and 3 more transcripts); c.5135-1G>C (NM_001407946.1, NM_001407948.1, NM_001407947.1 and 1 more transcripts); and 83 more.
Identifiers: ClinVar variation 864907 (VCV000864907.3), dbSNP rs80358048, ClinGen allele CA10590410.